The following is an entry in ClinVar:

NM_017849.4(TMEM127):c.700C>G (p.Pro234Ala)

Gene: TMEM127 (transmembrane protein 127; minus strand). Cytogenetic location: 2q11.2.
Variant type: single nucleotide variant.
Coding change: c.700C>G on transcript NM_017849.4 (MANE Select); coding-DNA position 700, C replaced by G.
Protein change: p.Pro234Ala; replaces proline 234 with alanine.
Molecular consequence: missense variant.
Genome position (GRCh38, 1-based): chr2:96,253,825, G>C on the plus strand (C>G on the coding strand, the complement: TMEM127 is on the minus strand). VCF-style: chr2-96253825-G-C. GRCh37 (hg19) VCF-style: chr2-96919563-G-C.
Other names: c.700C>G, p.Pro234Ala (NM_001193304.3); short protein forms P234A.
Identifiers: ClinVar variation 826772 (VCV000826772.12), dbSNP rs780992481, ClinGen allele CA347650962.

ClinVar aggregate classification (germline): Uncertain significance. Review status: criteria provided, multiple submitters, no conflicts (2 of 4 stars). 4 submissions from 4 submitters: Uncertain significance (4). Last evaluated 2024-02-19.

Conditions:
Hereditary cancer-predisposing syndrome. Also called: Hereditary Cancer Syndrome; Tumor predisposition; Neoplastic Syndromes, Hereditary; Hereditary neoplastic syndrome. Identifiers: Orphanet 140162, MedGen C0027672, MeSH D009386, MONDO:0015356.
Hereditary pheochromocytoma and paraganglioma. Also called: Hereditary pheochromocytoma-paraganglioma; Hereditary paragangliomas and pheochromocytomas; Hereditary Paraganglioma-Pheochromocytoma Syndromes. Identifiers: Orphanet 29072, MedGen C4274332, MONDO:0017366.
Pheochromocytoma. Also called: MAX-Related Hereditary Paraganglioma-Pheochromocytoma Syndrome. Identifiers: Orphanet 29072, MedGen C0031511, MONDO:0008233, OMIM 171300, HP:0002666.

Allele frequency attached by ClinVar (database versions not stated): TOPMed below 0.00001.

Submissions (4):

Baylor Genetics
Classification: Uncertain significance for Pheochromocytoma. Last evaluated: 2024-02-19. Review status: criteria provided, single submitter. Criteria: ACMG Guidelines, 2015. Collection method: clinical testing. Allele origin: unknown.

Ambry Genetics
Classification: Uncertain significance for Hereditary cancer-predisposing syndrome. Last evaluated: 2023-09-19. Review status: criteria provided, single submitter. Criteria: Ambry Variant Classification Scheme 2023. Collection method: clinical testing. Allele origin: germline.
Comment: The p.P234A variant (also known as c.700C>G), located in coding exon 3 of the TMEM127 gene, results from a C to G substitution at nucleotide position 700. The proline at codon 234 is replaced by alanine, an amino acid with highly similar properties. This amino acid position is highly conserved in available vertebrate species. In addition, this alteration is predicted to be deleterious by in silico analysis. Since supporting evidence is limited at this time, the clinical significance of this alteration remains unclear.

GeneDx
Classification: Uncertain significance. Last evaluated: 2023-05-15. Review status: criteria provided, single submitter. Criteria: GeneDx Variant Classification Process June 2021. Collection method: clinical testing. Allele origin: germline. Affected: yes.
Comment: Not observed at significant frequency in large population cohorts (gnomAD); In silico analysis supports that this missense variant has a deleterious effect on protein structure/function; Has not been previously published as pathogenic or benign to our knowledge

Labcorp Genetics (formerly Invitae), Labcorp
Classification: Uncertain significance for Hereditary pheochromocytoma and paraganglioma. Last evaluated: 2022-09-21. Review status: criteria provided, single submitter. Criteria: Invitae Variant Classification Sherloc (09022015). Collection method: clinical testing. Allele origin: germline.
Comment: This sequence change replaces proline, which is neutral and non-polar, with alanine, which is neutral and non-polar, at codon 234 of the TMEM127 protein (p.Pro234Ala). This variant is not present in population databases (gnomAD no frequency). This variant has not been reported in the literature in individuals affected with TMEM127-related conditions. ClinVar contains an entry for this variant (Variation ID: 826772). Algorithms developed to predict the effect of missense changes on protein structure and function (SIFT, PolyPhen-2, Align-GVGD) all suggest that this variant is likely to be disruptive. In summary, the available evidence is currently insufficient to determine the role of this variant in disease. Therefore, it has been classified as a Variant of Uncertain Significance.